The following is an entry in ClinVar:

NM_003924.4(PHOX2B):c.842C>T (p.Thr281Ile)

Gene: PHOX2B (paired like homeobox 2B; minus strand). Cytogenetic location: 4p13.
Variant type: single nucleotide variant.
Coding change: c.842C>T on transcript NM_003924.4 (MANE Select); coding-DNA position 842, C replaced by T.
Protein change: p.Thr281Ile; replaces threonine 281 with isoleucine.
Molecular consequence: missense variant.
Genome position (GRCh38, 1-based): chr4:41,745,910, G>A on the plus strand (C>T on the coding strand, the complement: PHOX2B is on the minus strand). VCF-style: chr4-41745910-G-A. GRCh37 (hg19) VCF-style: chr4-41747927-G-A.
Other names: short protein forms T281I.
Identifiers: ClinVar variation 2448119 (VCV002448119.2), dbSNP rs1577558782, ClinGen allele CA356737023.

ClinVar aggregate classification (germline): Uncertain significance (1 of 4 stars; one submission).

Conditions:
Hereditary cancer-predisposing syndrome. Also called: Neoplastic Syndromes, Hereditary; Hereditary Cancer Syndrome; Tumor predisposition; Hereditary neoplastic syndrome. Identifiers: Orphanet 140162, MedGen C0027672, MeSH D009386, MONDO:0015356.

Submission:

Ambry Genetics
Classification: Uncertain significance for Hereditary cancer-predisposing syndrome. Last evaluated: 2022-12-13. Review status: criteria provided, single submitter. Criteria: Ambry Variant Classification Scheme 2023. Collection method: clinical testing. Allele origin: germline.
Comment: The p.T281I variant (also known as c.842C>T), located in coding exon 3 of the PHOX2B gene, results from a C to T substitution at nucleotide position 842. The threonine at codon 281 is replaced by isoleucine, an amino acid with similar properties. This amino acid position is conserved. In addition, the in silico prediction for this alteration is inconclusive. Since supporting evidence is limited at this time, the clinical significance of this alteration remains unclear.